The following is an entry in ClinVar:

NM_001291303.3(FAT4):c.7018+2T>C

Gene: FAT4 (FAT atypical cadherin 4; plus strand). Cytogenetic location: 4q28.1.
Variant type: single nucleotide variant.
Coding change: c.7018+2T>C on transcript NM_001291303.3 (MANE Select); the canonical splice donor site of the intron after coding-DNA position 7018, T replaced by C.
Molecular consequence: splice donor variant.
Genome position (GRCh38, 1-based): chr4:125,416,624, T>C. VCF-style: chr4-125416624-T-C. GRCh37 (hg19) VCF-style: chr4-126337779-T-C.
Other names: c.7018+2T>C (NM_001291285.3, NM_024582.6).
Identifiers: ClinVar variation 2816285 (VCV002816285.3), dbSNP rs2530788030, ClinGen allele CA358131894.

ClinVar aggregate classification (germline): Likely pathogenic (1 of 4 stars; one submission).

Submission:

Labcorp Genetics (formerly Invitae), Labcorp
Classification: Likely pathogenic. Last evaluated: 2022-11-24. Review status: criteria provided, single submitter. Criteria: Invitae Variant Classification Sherloc (09022015). Collection method: clinical testing. Allele origin: germline.
Comment: In summary, the currently available evidence indicates that the variant is pathogenic, but additional data are needed to prove that conclusively. Therefore, this variant has been classified as Likely Pathogenic. This variant has not been reported in the literature in individuals affected with FAT4-related conditions. This variant is not present in population databases (gnomAD no frequency). This sequence change affects a donor splice site in intron 6 of the FAT4 gene. It is expected to disrupt RNA splicing. Variants that disrupt the donor or acceptor splice site typically lead to a loss of protein function (PMID: 16199547), and loss-of-function variants in FAT4 are known to be pathogenic (PMID: 24056717, 24913602).

Literature cited by the submitters: PubMed 16199547; PubMed 24056717; PubMed 24913602.